The following is an entry in ClinVar:

NM_001873.4(CPE):c.122G>A (p.Arg41Gln)

Gene: CPE (carboxypeptidase E; plus strand). Cytogenetic location: 4q32.3.
Variant type: single nucleotide variant.
Coding change: c.122G>A on transcript NM_001873.4 (MANE Select); coding-DNA position 122, G replaced by A.
Protein change: p.Arg41Gln; replaces arginine 41 with glutamine.
Molecular consequence: missense variant.
Genome position (GRCh38, 1-based): chr4:165,379,343, G>A. VCF-style: chr4-165379343-G-A. GRCh37 (hg19) VCF-style: chr4-166300495-G-A.
Other names: short protein forms R41Q.
Identifiers: ClinVar variation 3351870 (VCV003351870.2).

ClinVar aggregate classification (germline): Uncertain significance (1 of 4 stars; one submission).

Conditions:
CPE-related disorder. Also called: CPE-related condition.

gnomAD v4.1: 9 of 1,585,232 alleles (0.00057%); highest among the groups gnomAD compares: African/African-American, 0.0013%; no homozygotes.

Submission:

PreventionGenetics, part of Exact Sciences
Classification: Uncertain significance for CPE-related condition. Last evaluated: 2025-06-16. Review status: criteria provided, single submitter. Criteria: ACMG Guidelines, 2015. Collection method: clinical testing. Allele origin: germline.
Comment: The CPE c.122G>A variant is predicted to result in the amino acid substitution p.Arg41Gln. To our knowledge, this variant has not been reported in the literature or in a large population database (gnomAD), indicating this variant is rare. At this time, the clinical significance of this variant is uncertain due to the absence of conclusive functional and genetic evidence.